The following is an entry in ClinVar:

ClinVar aggregate classification (germline): Benign/Likely benign. Review status: criteria provided, multiple submitters, no conflicts (2 of 4 stars). 4 submissions from 4 submitters: Benign (1); Likely benign (2). 1 of the submissions does not count toward it. Last evaluated 2026-01-19.

Conditions:
Inborn genetic diseases. Identifiers: MedGen C0950123, MeSH D030342.
TRAPPC9-related disorder. Also called: TRAPPC9-related condition.

Allele frequency attached by ClinVar (database versions not stated): gnomAD exomes 0.00022 and 0.00051; ExAC 0.00061; gnomAD 0.00210 and 0.00222; TOPMed 0.00210; ESP Exome Variant Server 0.00231; 1000 Genomes Project 30x 0.00234; 1000 Genomes Project 0.00240.
gnomAD v4.1: 657 of 1,613,398 alleles (0.041%); highest among the groups gnomAD compares: African/African-American, 0.71%; no homozygotes.

Submissions (4):

Labcorp Genetics (formerly Invitae), Labcorp
Classification: Benign. Last evaluated: 2026-01-19. Review status: criteria provided, single submitter. Criteria: Invitae Variant Classification Sherloc (09022015). Collection method: clinical testing. Allele origin: germline.

CeGaT Center for Human Genetics Tuebingen
Classification: Likely benign. Last evaluated: 2025-08-01. Review status: criteria provided, single submitter. Criteria: CeGaT Center For Human Genetics Tuebingen Variant Classification Criteria Version 2. Collection method: clinical testing. Allele origin: germline. Affected: yes. Observed: 1 variant allele.
Comment: TRAPPC9: BP4, BP7

Ambry Genetics
Classification: Likely benign for Inborn genetic diseases. Last evaluated: 2016-12-15. Review status: criteria provided, single submitter. Criteria: Ambry Variant Classification Scheme 2023. Collection method: clinical testing. Allele origin: germline.

PreventionGenetics, part of Exact Sciences
Classification: Likely benign for TRAPPC9-related condition. Last evaluated: 2023-06-20. Review status: no assertion criteria provided. Collection method: clinical testing. Allele origin: germline. Not counted in ClinVar's aggregate classification.
Comment: This variant is classified as likely benign based on ACMG/AMP sequence variant interpretation guidelines (Richards et al. 2015 PMID: 25741868, with internal and published modifications).

NM_001160372.4(TRAPPC9):c.3291C>T (p.Ser1097=)

Gene: TRAPPC9 (trafficking protein particle complex subunit 9; minus strand). Cytogenetic location: 8q24.3.
Variant type: single nucleotide variant.
Coding change: c.3291C>T on transcript NM_001160372.4 (MANE Select); coding-DNA position 3291, C replaced by T.
Protein change: p.Ser1097=; no amino-acid change (serine 1097 retained).
Molecular consequence: synonymous variant. On other transcripts: non-coding transcript variant (1).
Genome position (GRCh38, 1-based): chr8:139,731,217, G>A on the plus strand (C>T on the coding strand, the complement: TRAPPC9 is on the minus strand). VCF-style: chr8-139731217-G-A. GRCh37 (hg19) VCF-style: chr8-140743460-G-A.
Other names: c.3264C>T, p.Ser1088= (NM_001321646.2); c.3312C>T, p.Ser1104= (NM_001374682.1); c.3180C>T, p.Ser1060= (NM_001374683.1); c.3147C>T, p.Ser1049= (NM_001374684.1); c.3291C>T, p.Ser1097= (NM_031466.8).
Identifiers: ClinVar variation 362062 (VCV000362062.29), dbSNP rs148857575, ClinGen allele CA4892734.